The following is an entry in ClinVar:

NM_024675.4(PALB2):c.1042C>A (p.Gln348Lys)

Gene: PALB2 (partner and localizer of BRCA2; minus strand). Cytogenetic location: 16p12.2.
Variant type: single nucleotide variant.
Coding change: c.1042C>A on transcript NM_024675.4 (MANE Select); coding-DNA position 1042, C replaced by A.
Protein change: p.Gln348Lys; replaces glutamine 348 with lysine.
Molecular consequence: missense variant.
Genome position (GRCh38, 1-based): chr16:23,635,504, G>T on the plus strand (C>A on the coding strand, the complement: PALB2 is on the minus strand). VCF-style: chr16-23635504-G-T. GRCh37 (hg19) VCF-style: chr16-23646825-G-T.
Other names: short protein forms Q348K.
Identifiers: ClinVar variation 141588 (VCV000141588.33), dbSNP rs375699023, ClinGen allele CA165871.

ClinVar aggregate classification (germline): Conflicting classifications of pathogenicity. Review status: criteria provided, conflicting classifications (1 of 4 stars). 13 submissions from 13 submitters: Uncertain significance (8); Benign (1); Likely benign (2). 2 of the submissions do not count toward it. Last evaluated 2026-09-01.

Conditions:
PALB2-related disorder. Also called: PALB2-related condition; PALB2-related disorders.
Hereditary cancer-predisposing syndrome. Also called: Tumor predisposition; Neoplastic Syndromes, Hereditary; Hereditary neoplastic syndrome; Hereditary Cancer Syndrome. Identifiers: Orphanet 140162, MedGen C0027672, MeSH D009386, MONDO:0015356.
Chordoma. Identifiers: Orphanet 178, MedGen C0008487, MONDO:0008978, HP:0010762.
Familial cancer of breast. Also called: BREAST CANCER, FAMILIAL; Hereditary breast cancer; hereditary breast carcinoma. Identifiers: Orphanet 227535, MedGen C0346153, MONDO:0016419, OMIM 114480. Disease mechanism: loss of function.

Allele frequency attached by ClinVar (database versions not stated): gnomAD exomes 0.00004; TOPMed 0.00005; gnomAD 0.00007 and 0.00008; ExAC 0.00008; ESP Exome Variant Server 0.00015.
gnomAD v4.1: 49 of 1,613,732 alleles (0.003%); highest among the groups gnomAD compares: Non-Finnish European, 0.0042%; no homozygotes.

Submissions (13):

PreventionGenetics, part of Exact Sciences
Classification: Uncertain significance for PALB2-related condition. Last evaluated: 2026-09-01. Review status: criteria provided, single submitter. Criteria: ACMG Guidelines, 2015. Collection method: clinical testing. Allele origin: germline.
Comment: The PALB2 c.1042C>A variant is predicted to result in the amino acid substitution p.Gln348Lys. This variant has been reported in a family affected with pilocytic astrocytoma and chondroma (Xia et al. 2022. PubMed ID: 35762214) and a cohort of individuals with breast cancer (Xia et al. 2022. PubMed ID: 35762214). This variant is reported in 0.0085% of alleles in individuals of European (Non-Finnish) descent in gnomAD and has conflicting interpretations of pathogenicity in ClinVar, ranging from benign to uncertain (Variation ID: 141588). Although we suspect that this variant may be benign, at this time, the clinical significance of this variant is uncertain due to the absence of conclusive functional and genetic evidence.

Labcorp Genetics (formerly Invitae), Labcorp
Classification: Uncertain significance for Familial cancer of breast. Last evaluated: 2026-01-25. Review status: criteria provided, single submitter. Criteria: Invitae Variant Classification Sherloc (09022015). Collection method: clinical testing. Allele origin: germline.
Comment: This sequence change replaces glutamine, which is neutral and polar, with lysine, which is basic and polar, at codon 348 of the PALB2 protein (p.Gln348Lys). This variant is present in population databases (rs375699023, gnomAD 0.009%). This missense change has been observed in individual(s) with breast cancer (PMID: 37937776). ClinVar contains an entry for this variant (Variation ID: 141588). Invitae Evidence Modeling of protein sequence and biophysical properties (such as structural, functional, and spatial information, amino acid conservation, physicochemical variation, residue mobility, and thermodynamic stability) indicates that this missense variant is not expected to disrupt PALB2 protein function with a negative predictive value of 80%. In summary, the available evidence is currently insufficient to determine the role of this variant in disease. Therefore, it has been classified as a Variant of Uncertain Significance.

GeneDx
Classification: Uncertain significance. Last evaluated: 2025-08-15. Review status: criteria provided, single submitter. Criteria: GeneDx Variant Classification Process June 2021. Collection method: clinical testing. Allele origin: germline. Affected: yes.
Comment: Published functional studies suggest no damaging effect: homologous recombination repair similar to wildtype and normal co-localization in the nucleus with BRCA1 (PMID: 35762214); In silico analysis suggests that this missense variant does not alter protein structure/function; Observed to segregate in a single family with multiple individuals with chordoma or juvenile pilocytic astrocytoma, but was also present in unaffected individuals (PMID: 35762214); Identified in an individual with breast cancer (PMID: 28779002); This variant is associated with the following publications: (PMID: 26315354, 36387127, 35762214, 28779002, 37937776)

Quest Diagnostics Nichols Institute San Juan Capistrano
Classification: Uncertain significance. Last evaluated: 2025-05-07. Review status: criteria provided, single submitter. Criteria: Quest Diagnostics criteria. Collection method: clinical testing. Allele origin: unknown.
Comment: The PALB2 c.1042C>A (p.Gln348Lys) variant has been reported in the published literature in individuals with breast cancer (PMID: 33471991 (2021), 28779002 (2017), see also LOVD). This variant has also been identified in reportedly unaffected individuals (PMID: 33471991 (2021), 28779002 (2017), 26315354 (2015), see also LOVD). Additionally, this variant has been reported to segregate with disease in a family affected with chordoma, however the variant was also identified in unaffected family members (PMID: 35762214 (2022)). The frequency of this variant in the general population (Genome Aggregation Database) is uninformative in the assessment of its pathogenicity. Analysis of this variant using bioinformatics tools for the prediction of the effect of amino acid changes on protein structure and function yielded predictions that this variant is benign. Based on the available information, we are unable to determine the clinical significance of this variant.

Ambry Genetics
Classification: Likely benign for Hereditary cancer-predisposing syndrome. Last evaluated: 2024-10-18. Review status: criteria provided, single submitter. Criteria: Ambry Variant Classification Scheme 2023. Collection method: clinical testing. Allele origin: germline.

Molecular Pathology, Peter Maccallum Cancer Centre
Classification: Uncertain significance for Familial cancer of breast. Last evaluated: 2024-08-07. Review status: criteria provided, single submitter. Criteria: ACMG Guidelines, 2015. Collection method: clinical testing. Allele origin: germline. Inheritance: Autosomal dominant inheritance.

Baylor Genetics
Classification: Uncertain significance for Familial cancer of breast. Last evaluated: 2023-09-05. Review status: criteria provided, single submitter. Criteria: ACMG Guidelines, 2015. Collection method: clinical testing. Allele origin: unknown.

Myriad Genetics, Inc.
Classification: Benign for Familial cancer of breast. Last evaluated: 2023-03-31. Review status: criteria provided, single submitter. Criteria: Myriad Autosomal Dominant, Autosomal Recessive and X-Linked Classification Criteria (2023). Collection method: clinical testing. Allele origin: unknown.
Comment: This variant is considered benign. This variant is strongly associated with less severe personal and family histories of cancer, typical for individuals without pathogenic variants in this gene [PMID: 25085752]. This variant has been observed in trans with a known pathogenic variant in one or more individuals lacking clinical features consistent with gene-specific recessive disease.

Genetic Services Laboratory, University of Chicago
Classification: Uncertain significance. Last evaluated: 2021-06-07. Review status: criteria provided, single submitter. Criteria: ACMG Guidelines, 2015. Collection method: clinical testing. Allele origin: germline. Affected: no.
Comment: DNA sequence analysis of the PALB2 gene demonstrated a sequence change, c.1042C>A, in exon 4 that results in an amino acid change, p.Gln348Lys. This sequence change has been described in gnomAD with a frequency of 0.0085% in the Non-Finnish European sub-population (dbSNP rs375699023). The p.Gln348Lys change affects a moderately conserved amino acid residue located in a domain of the PALB2 protein that is not known to be functional. The p.Gln348Lys substitution appears to be tolerated using several in-silico pathogenicity prediction tools (SIFT, PolyPhen2, Align GVGD, REVEL). This sequence change does not appear to have been previously described in patients with PALB2-related. Due to the lack of sufficient evidences, the clinical significance of the p.Gln348Lys change remains unknown at this time.

Women's Health and Genetics/Laboratory Corporation of America, LabCorp
Classification: Uncertain significance. Last evaluated: 2020-07-16. Review status: criteria provided, single submitter. Criteria: LabCorp Variant Classification Summary - May 2015. Collection method: clinical testing. Allele origin: germline.
Comment: Variant summary: PALB2 c.1042C>A (p.Gln348Lys) results in a conservative amino acid change in the encoded protein sequence. Five of five in-silico tools predict a benign effect of the variant on protein function. The variant allele was found at a frequency of 4.3e-05 in 257982 control chromosomes. This frequency is not significantly higher than expected for a pathogenic variant in PALB2 causing Hereditary Breast And Ovarian Cancer Syndrome (4.3e-05 vs 0.00016), allowing no conclusion about variant significance. c.1042C>A has been reported in the literature in at least one individual affected with breast cancer (Decker_2017), but also in healthy controls (Ramus_2015). These reports do not provide unequivocal conclusions about association of the variant with Hereditary Breast And Ovarian Cancer Syndrome. To our knowledge, no experimental evidence demonstrating an impact on protein function has been reported. Five other clinical diagnostic laboratories have submitted clinical-significance assessments for this variant to ClinVar after 2014 without evidence for independent evaluation. They have cited the variant as likely benign (n=1) and uncertain significance (n=4). Based on the evidence outlined above, the variant was classified as uncertain significance.

Color Diagnostics, LLC DBA Color Health
Classification: Likely benign for Hereditary cancer-predisposing syndrome. Last evaluated: 2016-08-08. Review status: criteria provided, single submitter. Criteria: ACMG Guidelines, 2015. Collection method: clinical testing. Allele origin: germline.

Integrative Tumor Epidemiology Branch, National Institutes of Health
Classification: Uncertain significance for Chordoma. Last evaluated: 2021-03-22. Review status: no assertion criteria provided. Collection method: research. Allele origin: germline. Affected: yes. Observed: 1 variant allele. Not counted in ClinVar's aggregate classification.
Comment: Modestly reduce HRR activity

Counsyl
Classification: Uncertain significance for Familial cancer of breast. Last evaluated: 2017-09-12. Review status: no assertion criteria provided. Collection method: clinical testing. Allele origin: unknown. Not counted in ClinVar's aggregate classification.

Literature cited by the submitters: PubMed 37937776 (cited by Labcorp Genetics (formerly Invitae), Labcorp); PubMed 33471991 (cited by Quest Diagnostics Nichols Institute San Juan Capistrano); PubMed 28779002 (cited by 3 submitters); PubMed 26315354 (cited by 3 submitters); PubMed 37461096 (cited by Quest Diagnostics Nichols Institute San Juan Capistrano); PubMed 35762214 (cited by Quest Diagnostics Nichols Institute San Juan Capistrano); PubMed 25085752 (cited by Myriad Genetics, Inc.).